The following is an entry in ClinVar:

NM_003079.5(SMARCE1):c.314G>A (p.Arg105Gln)

Gene: SMARCE1 (SWI/SNF related BAF chromatin remodeling complex subunit E1; minus strand). Cytogenetic location: 17q21.2.
Variant type: single nucleotide variant.
Coding change: c.314G>A on transcript NM_003079.5 (MANE Select); coding-DNA position 314, G replaced by A.
Protein change: p.Arg105Gln; replaces arginine 105 with glutamine.
Molecular consequence: missense variant.
Genome position (GRCh38, 1-based): chr17:40,636,450, C>T on the plus strand (G>A on the coding strand, the complement: SMARCE1 is on the minus strand). VCF-style: chr17-40636450-C-T. GRCh37 (hg19) VCF-style: chr17-38792702-C-T.
Other names: c.314G>A (NM_003079.4); short protein forms R105Q.
Identifiers: ClinVar variation 872720 (VCV000872720.48), dbSNP rs2037146907, ClinGen allele CA399367222.

ClinVar aggregate classification (germline): Pathogenic/Likely pathogenic. Review status: criteria provided, multiple submitters, no conflicts (2 of 4 stars). 5 submissions from 5 submitters: Pathogenic (3); Likely pathogenic (2). Last evaluated 2026-01-06.

Conditions:
Familial meningioma. Also called: Meningioma, familial, susceptibility to. Identifiers: Orphanet 263662, MedGen C3551915, MONDO:0011789, OMIM 607174.
Coffin-Siris syndrome 5 (CSS5). Identifiers: Orphanet 1465, MedGen C4310788, MONDO:0014838, OMIM 616938.

Submissions (5):

3billion
Classification: Pathogenic for Coffin-Siris syndrome 5. Last evaluated: 2026-01-06. Review status: criteria provided, single submitter. Criteria: ACMG Guidelines, 2015. Collection method: clinical testing. Allele origin: germline. Affected: yes.
Comment: The variant is not observed in the gnomAD v4.1.0 dataset. Predicted Consequence/Location: Missense variant Damaging effect on gene or gene product predicted by in silico programs is uncertain [REVEL: 0.597 (damaging >=0.6, benign <0.4)]. The same nucleotide change resulting in the same amino acid change has been previously reported as pathogenic/likely pathogenic with strong evidence (ClinVar ID: VCV000872720 /PMID: 23929686). The variant has been observed in at least two similarly affected unrelated individuals (PMID: 23929686, 27264197). The variant has been previously reported as assumed (i.e. paternity and maternity not confirmed) de novo in at least one similarly affected unrelated individual (PMID: 27264197). Therefore, this variant is classified as Pathogenic according to the recommendation of ACMG/AMP guideline.

Labcorp Genetics (formerly Invitae), Labcorp
Classification: Pathogenic for Familial meningioma. Last evaluated: 2024-10-07. Review status: criteria provided, single submitter. Criteria: Invitae Variant Classification Sherloc (09022015). Collection method: clinical testing. Allele origin: germline.
Comment: This sequence change replaces arginine, which is basic and polar, with glutamine, which is neutral and polar, at codon 105 of the SMARCE1 protein (p.Arg105Gln). This variant is not present in population databases (gnomAD no frequency). This missense change has been observed in individual(s) with clinical features of Coffin-Siris syndrome (PMID: 23929686, 27264197; internal data). In at least one individual the variant was observed to be de novo. ClinVar contains an entry for this variant (Variation ID: 872720). Invitae Evidence Modeling of protein sequence and biophysical properties (such as structural, functional, and spatial information, amino acid conservation, physicochemical variation, residue mobility, and thermodynamic stability) indicates that this missense variant is not expected to disrupt SMARCE1 protein function with a negative predictive value of 80%. For these reasons, this variant has been classified as Pathogenic.

MVZ Medizinische Genetik Mainz
Classification: Likely pathogenic for Coffin-Siris syndrome 5. Last evaluated: 2024-03-07. Review status: criteria provided, single submitter. Criteria: UK Practice Guidelines For Variant Classification V4 01 2020. Collection method: clinical testing. Allele origin: germline. Inheritance: Autosomal dominant inheritance. Affected: yes. Observed: 1 variant allele.
Comment: ACMG Criteria: PS4_MOD,PS2_SUP,PM1_SUP,PM2_SUP,PP2

GeneDx
Classification: Pathogenic. Last evaluated: 2023-01-25. Review status: criteria provided, single submitter. Criteria: GeneDx Variant Classification Process June 2021. Collection method: clinical testing. Allele origin: germline. Affected: yes.
Comment: Not observed in large population cohorts (gnomAD); In silico analysis supports that this missense variant has a deleterious effect on protein structure/function; This variant is associated with the following publications: (PMID: 27264197, 25168959, 27149204, 24090879, 23377182, 23929686)

CeGaT Center for Human Genetics Tuebingen
Classification: Likely pathogenic. Last evaluated: 2019-08-01. Review status: criteria provided, single submitter. Criteria: CeGaT Center For Human Genetics Tuebingen Variant Classification Criteria Version 2. Collection method: clinical testing. Allele origin: germline. Affected: yes. Observed: 3 variant alleles.

Literature cited by the submitters: PubMed 27264197 (cited by 3billion and Labcorp Genetics (formerly Invitae), Labcorp); PubMed 23929686 (cited by 3billion and Labcorp Genetics (formerly Invitae), Labcorp).